The following is an entry in ClinVar:

ClinVar aggregate classification (germline): Uncertain significance (1 of 4 stars; one submission).

Conditions:
Hereditary cancer-predisposing syndrome. Also called: Hereditary neoplastic syndrome; Neoplastic Syndromes, Hereditary; Tumor predisposition; Hereditary Cancer Syndrome. Identifiers: Orphanet 140162, MedGen C0027672, MeSH D009386, MONDO:0015356.

Submission:

Ambry Genetics
Classification: Uncertain significance for Hereditary cancer-predisposing syndrome. Last evaluated: 2025-03-06. Review status: criteria provided, single submitter. Criteria: Ambry Variant Classification Scheme 2023. Collection method: clinical testing. Allele origin: germline.
Comment: The c.788-1G>C intronic variant results from a G to C substitution one nucleotide upstream from coding exon 3 of the ALK gene. Alterations that disrupt the canonical splice site are expected to result in aberrant splicing. In silico splice site analysis predicts that this alteration will weaken the native splice acceptor site and may result in the creation or strengthening of a novel splice acceptor site. The resulting transcript is predicted to be in-frame and is not expected to trigger nonsense-mediated mRNAdecay; although, direct evidence is unavailable. This nucleotide position is highly conserved in available vertebrate species. Based on the available evidence, the clinical significance of this variant remains unclear.

NM_004304.5(ALK):c.788-1G>C

Gene: ALK (ALK receptor tyrosine kinase; minus strand). Cytogenetic location: 2p23.2.
Variant type: single nucleotide variant.
Coding change: c.788-1G>C on transcript NM_004304.5 (MANE Select); the canonical splice acceptor site of the intron before coding-DNA position 788, G replaced by C.
Molecular consequence: splice acceptor variant.
Genome position (GRCh38, 1-based): chr2:29,695,015, C>G on the plus strand (G>C on the coding strand, the complement: ALK is on the minus strand). VCF-style: chr2-29695015-C-G. GRCh37 (hg19) VCF-style: chr2-29917881-C-G.
Identifiers: ClinVar variation 3855713 (VCV003855713.1).